The following is an entry in ClinVar:

ClinVar aggregate classification (germline): Uncertain significance. Review status: criteria provided, multiple submitters, no conflicts (2 of 4 stars). 3 submissions from 3 submitters: Uncertain significance (3). Last evaluated 2024-01-05.

Conditions:
Donnai-Barrow syndrome. Also called: DBS/FOAR SYNDROME; FACIOOCULOACOUSTICORENAL SYNDROME. Identifiers: Orphanet 2143, MedGen C1857277, MONDO:0009104, OMIM 222448.

Allele frequency attached by ClinVar (database versions not stated): gnomAD exomes below 0.00001.
gnomAD v4.1: 3 of 1,612,770 alleles (0.00019%); highest among the groups gnomAD compares: Middle Eastern, 0.017%; no homozygotes.

Submissions (3):

Fulgent Genetics
Classification: Uncertain significance for Donnai-Barrow syndrome. Last evaluated: 2024-01-05. Review status: criteria provided, single submitter. Criteria: ACMG Guidelines, 2015. Collection method: clinical testing. Allele origin: germline.

Labcorp Genetics (formerly Invitae), Labcorp
Classification: Uncertain significance. Last evaluated: 2022-10-17. Review status: criteria provided, single submitter. Criteria: Invitae Variant Classification Sherloc (09022015). Collection method: clinical testing. Allele origin: germline.
Comment: This sequence change replaces proline, which is neutral and non-polar, with arginine, which is basic and polar, at codon 3800 of the LRP2 protein (p.Pro3800Arg). This variant is not present in population databases (gnomAD no frequency). This variant has not been reported in the literature in individuals affected with LRP2-related conditions. ClinVar contains an entry for this variant (Variation ID: 1382889). Advanced modeling of protein sequence and biophysical properties (such as structural, functional, and spatial information, amino acid conservation, physicochemical variation, residue mobility, and thermodynamic stability) performed at Invitae indicates that this missense variant is not expected to disrupt LRP2 protein function. In summary, the available evidence is currently insufficient to determine the role of this variant in disease. Therefore, it has been classified as a Variant of Uncertain Significance.

Breakthrough Genomics
Classification: Uncertain significance. Review status: criteria provided, single submitter. Criteria: ACMG Guidelines, 2015. Collection method: not provided. Allele origin: germline. Inheritance: Autosomal recessive inheritance. Affected: yes.

NM_004525.3(LRP2):c.11399C>G (p.Pro3800Arg)

Gene: LRP2 (LDL receptor related protein 2; minus strand). Cytogenetic location: 2q31.1.
Variant type: single nucleotide variant.
Coding change: c.11399C>G on transcript NM_004525.3 (MANE Select); coding-DNA position 11399, C replaced by G.
Protein change: p.Pro3800Arg; replaces proline 3800 with arginine.
Molecular consequence: missense variant.
Genome position (GRCh38, 1-based): chr2:169,169,800, G>C on the plus strand (C>G on the coding strand, the complement: LRP2 is on the minus strand). VCF-style: chr2-169169800-G-C. GRCh37 (hg19) VCF-style: chr2-170026310-G-C.
Other names: short protein forms P3800R.
Identifiers: ClinVar variation 1382889 (VCV001382889.8), dbSNP rs911625687, ClinGen allele CA59907623.